The following is an entry in ClinVar:

ClinVar aggregate classification (germline): Uncertain significance (1 of 4 stars; one submission).

Allele frequency attached by ClinVar (database versions not stated): gnomAD exomes below 0.00001.
gnomAD v4.1: 1 of 1,609,686 alleles (0.000062%); highest among the groups gnomAD compares: African/African-American, 0.0013%; no homozygotes.

Submission:

Labcorp Genetics (formerly Invitae), Labcorp
Classification: Uncertain significance. Last evaluated: 2022-03-26. Review status: criteria provided, single submitter. Criteria: Invitae Variant Classification Sherloc (09022015). Collection method: clinical testing. Allele origin: germline.
Comment: This variant has not been reported in the literature in individuals affected with COL11A1-related conditions. In summary, the available evidence is currently insufficient to determine the role of this variant in disease. Therefore, it has been classified as a Variant of Uncertain Significance. Advanced modeling of protein sequence and biophysical properties (such as structural, functional, and spatial information, amino acid conservation, physicochemical variation, residue mobility, and thermodynamic stability) performed at Invitae indicates that this missense variant is not expected to disrupt COL11A1 protein function. This variant is not present in population databases (gnomAD no frequency). This sequence change replaces valine, which is neutral and non-polar, with isoleucine, which is neutral and non-polar, at codon 1686 of the COL11A1 protein (p.Val1686Ile).

NM_001854.4(COL11A1):c.5056G>A (p.Val1686Ile)

Genes: COL11A1 (collagen type XI alpha 1 chain; minus strand), LOC126805814 (P300/CBP strongly-dependent group 1 enhancer GRCh37_chr1:103344928-103346127; plus strand). Cytogenetic location: 1p21.1.
Variant type: single nucleotide variant.
Coding change: c.5056G>A on transcript NM_001854.4 (MANE Select); coding-DNA position 5056, G replaced by A.
Protein change: p.Val1686Ile; replaces valine 1686 with isoleucine.
Molecular consequence: missense variant. On other transcripts: non-coding transcript variant (1).
Genome position (GRCh38, 1-based): chr1:102,879,901, C>T on the plus strand (G>A on the coding strand, the complement: COL11A1 is on the minus strand). VCF-style: chr1-102879901-C-T. GRCh37 (hg19) VCF-style: chr1-103345457-C-T.
Other names: c.4708G>A, p.Val1570Ile (NM_001168249.1, NM_080630.4); c.4939G>A, p.Val1647Ile (NM_001190709.2); c.5092G>A, p.Val1698Ile (NM_080629.3); short protein forms V1647I, V1686I, V1570I, V1698I.
Identifiers: ClinVar variation 2117194 (VCV002117194.4), dbSNP rs2524163114, ClinGen allele CA341211201.